The following is an entry in ClinVar:

NM_004448.4(ERBB2):c.1181C>T (p.Pro394Leu)

Gene: ERBB2 (erb-b2 receptor tyrosine kinase 2; plus strand). Cytogenetic location: 17q12.
Variant type: single nucleotide variant.
Coding change: c.1181C>T on transcript NM_004448.4 (MANE Select); coding-DNA position 1181, C replaced by T.
Protein change: p.Pro394Leu; replaces proline 394 with leucine.
Molecular consequence: missense variant. On other transcripts: non-coding transcript variant (1).
Genome position (GRCh38, 1-based): chr17:39,715,318, C>T. VCF-style: chr17-39715318-C-T. GRCh37 (hg19) VCF-style: chr17-37871571-C-T.
Other names: c.1091C>T, p.Pro364Leu (NM_001289938.2, NM_001382782.1, NM_001382783.1 and 1 more transcripts); c.1298C>T, p.Pro433Leu (NM_001382784.1, NM_001382786.1); c.1181C>T, p.Pro394Leu (NM_001382785.1, NM_001382788.1, NM_001382789.1 and 14 more transcripts); c.1256C>T, p.Pro419Leu (NM_001382787.1); c.923C>T, p.Pro308Leu (NM_001382802.1); c.353C>T, p.Pro118Leu (NM_001382804.1); c.1136C>T, p.Pro379Leu (NM_001289936.2); c.1172C>T, p.Pro391Leu (NM_001382791.1); and 1 more; short protein forms P308L, P391L, P394L, P419L, P118L, P334L, P364L, P379L.
Identifiers: ClinVar variation 4767725 (VCV004767725.1).
Genomic context (GRCh38, chr17:39,715,318, plus strand): 5'-CTGCTGACTCCTCTCCTGACCCCTCCAGGGACCCAGCCTCCAACACTGCCCCGCTCCAGC[C>T]AGAGCAGCTCCAAGTGTTTGAGACTCTGGAAGAGATCACAGGTGGGCTCTGTCTCTGCAT-3'
Protein context (NP_004439.2, residues 384-404): DPASNTAPLQ[Pro394Leu]EQLQVFETLE

ClinVar aggregate classification (germline): Uncertain significance (1 of 4 stars; one submission).

Submission:

Labcorp Genetics (formerly Invitae), Labcorp
Classification: Uncertain significance. Last evaluated: 2025-03-21. Review status: criteria provided, single submitter. Criteria: Invitae Variant Classification Sherloc (09022015). Collection method: clinical testing. Allele origin: germline.
Comment: This sequence change replaces proline, which is neutral and non-polar, with leucine, which is neutral and non-polar, at codon 394 of the ERBB2 protein (p.Pro394Leu). This variant is present in population databases (rs772548631, gnomAD 0.0009%). This variant has not been reported in the literature in individuals affected with ERBB2-related conditions. Invitae Evidence Modeling of protein sequence and biophysical properties (such as structural, functional, and spatial information, amino acid conservation, physicochemical variation, residue mobility, and thermodynamic stability) indicates that this missense variant is not expected to disrupt ERBB2 protein function with a negative predictive value of 80%. In summary, the available evidence is currently insufficient to determine the role of this variant in disease. Therefore, it has been classified as a Variant of Uncertain Significance.